The following is an entry in ClinVar:

NM_001040142.2(SCN2A):c.4782G>C (p.Trp1594Cys)

Gene: SCN2A (sodium voltage-gated channel alpha subunit 2; plus strand). Cytogenetic location: 2q24.3.
Variant type: single nucleotide variant.
Coding change: c.4782G>C on transcript NM_001040142.2 (MANE Select); coding-DNA position 4782, G replaced by C.
Protein change: p.Trp1594Cys; replaces tryptophan 1594 with cysteine.
Molecular consequence: missense variant.
Genome position (GRCh38, 1-based): chr2:165,386,976, G>C. VCF-style: chr2-165386976-G-C. GRCh37 (hg19) VCF-style: chr2-166243486-G-C.
Other names: NM_001040142.2(SCN2A):c.4782G>C; p.Trp1594Cys; c.4782G>C, p.Trp1594Cys (NM_001040143.2, NM_001371246.1, NM_001371247.1 and 1 more transcripts); short protein forms W1594C.
Identifiers: ClinVar variation 383825 (VCV000383825.8), dbSNP rs1057521747, ClinGen allele CA16603919.

ClinVar aggregate classification (germline): Likely pathogenic. Review status: reviewed by expert panel (3 of 4 stars). 3 submissions from 3 submitters: Likely pathogenic (1). 2 of the submissions do not count toward it. Last evaluated 2024-11-26.

Conditions:
Complex neurodevelopmental disorder. Identifiers: Orphanet 528084, MedGen C5568766, MONDO:0100038.
Inborn genetic diseases. Identifiers: MedGen C0950123, MeSH D030342.

Submissions (3):

ClinGen Epilepsy Sodium Channel Variant Curation Expert Panel, Clingen
Classification: Likely pathogenic for Complex neurodevelopmental disorder. Last evaluated: 2024-11-26. Review status: reviewed by expert panel. Criteria: ClinGen EpilepsySCN ACMG Specifications SCN2A V1.0.0. Collection method: curation. Allele origin: germline. Inheritance: Autosomal dominant inheritance.
Comment: The c.4782G>C variant in SCN2A is a missense variant predicted to cause substitution of tryptophan by cysteine at amino acid 1594 (p.Trp1594Cys). The variant has been identified in multiple individuals meeting criteria for complex neurodevelopmental disorder (PS4, PM6)(PMID: 34004075, internal lab contributors). It is absent from the population database gnomAD v2.1.1 and v4.1.0 (PM2_Supporting). The computational predictor REVEL gives a score of 0.924, which is above the threshold of 0.773, evidence that correlates with a maximum strength of PP3_Moderate. The same amino acid change (p.Trp1594Cys), resulting from a different nucleotide change[c.4782G>T](PMID: 35365919, PMID: 23603762) is classified as likely pathogenic for complex neurodevelopmental disorder by the ClinGen Epilepsy Sodium Channel VCEP(PS1_Moderate). Additionally, another missense variant in the same codon c.4780T>A, p.Trp1594Arg reaches likely pathogenic based on current criteria (PM5_Supporting). In summary, this variant meets the criteria to be classified as likely pathogenic for autosomal dominant complex neurodevelopmental disorder based on the ACMG/AMP criteria applied, as specified by the ClinGen Epilepsy Sodium Channel VCEP: PS4_Moderate, PM6, PS1_Moderate, PM2_Supporting, PP3_Moderate, PM5_Supporting. (version 1.0; November 26, 2024).

GeneDx
Classification: Likely pathogenic. Last evaluated: 2025-12-04. Review status: criteria provided, single submitter. Criteria: GeneDx Variant Classification Process June 2021. Collection method: clinical testing. Allele origin: germline. Affected: yes. Not counted in ClinVar's aggregate classification.
Comment: This substitution is predicted to be within the transmembrane segment S3 of the fourth homologous domain; Not observed at significant frequency in large population cohorts (gnomAD); In silico analysis supports that this missense variant has a deleterious effect on protein structure/function; This variant is associated with the following publications: (PMID: 23603762, 34004075)

Ambry Genetics
Classification: Uncertain significance for Inborn genetic diseases. Last evaluated: 2016-11-01. Review status: criteria provided, single submitter. Criteria: Ambry Variant Classification Scheme 2023. Collection method: clinical testing. Allele origin: germline. Not counted in ClinVar's aggregate classification.
Comment: The p.W1594C variant (also known as c.4782G>C), located in coding exon 25 of the SCN2A gene, results from a G to C substitution at nucleotide position 4782. The tryptophan at codon 1594 is replaced by cysteine, an amino acid with highly dissimilar properties. In one study which performed exome sequencing on individuals with cortical malformations, this alteration was detected as a de novo occurrence in an individual with neonatal seizures and perisylvian polymicrogyria who also carried the de novo RAI1 p.L855P alteration. It is unclear whether this individual's epilepsy phenotype is due to their genotype or their cortical malformation (Poirier K et al. Nat. Genet., 2013 Jun;45:639-47).This variant was not reported in population based cohorts in the following databases: Database of Single Nucleotide Polymorphisms (dbSNP), NHLBI Exome Sequencing Project (ESP), and 1000 Genomes Project. In the ESP, this variant was not observed in 6503 samples (13006 alleles) with coverage at this position. This amino acid position is highly conserved in available vertebrate species. In addition, this alteration is predicted to be deleterious by in silico analysis. Since supporting evidence is limited at this time, the clinical significance of this alteration remains unclear.

Literature cited by the submitters: PubMed 23603762 (cited by Ambry Genetics).